The following is an entry in ClinVar:

NM_001292063.2(OTOG):c.7534C>T (p.Arg2512Cys)

Gene: OTOG (otogelin; plus strand). Cytogenetic location: 11p15.1.
Variant type: single nucleotide variant.
Coding change: c.7534C>T on transcript NM_001292063.2 (MANE Select); coding-DNA position 7534, C replaced by T.
Protein change: p.Arg2512Cys; replaces arginine 2512 with cysteine.
Molecular consequence: missense variant.
Genome position (GRCh38, 1-based): chr11:17,634,897, C>T. VCF-style: chr11-17634897-C-T. GRCh37 (hg19) VCF-style: chr11-17656444-C-T.
Other names: c.7570C>T, p.Arg2524Cys (NM_001277269.2); short protein forms R2524C, R2512C.
Identifiers: ClinVar variation 450632 (VCV000450632.12), dbSNP rs533820347, ClinGen allele CA5906142.

ClinVar aggregate classification (germline): Conflicting classifications of pathogenicity. Review status: criteria provided, conflicting classifications (1 of 4 stars). 4 submissions from 4 submitters: Uncertain significance (1); Benign (1); Likely benign (1). 1 of the submissions does not count toward it. Last evaluated 2026-01-11.

Conditions:
OTOG-related disorder. Also called: OTOG-related condition.

Allele frequency attached by ClinVar (database versions not stated): TOPMed 0.00047; gnomAD exomes 0.00049 and 0.00098; gnomAD 0.00052 and 0.00056; ExAC 0.00176; 1000 Genomes Project 30x 0.00016; 1000 Genomes Project 0.00020.
gnomAD v4.1: 799 of 1,549,254 alleles (0.052%); highest among the groups gnomAD compares: Middle Eastern, 0.074%; 2 homozygotes.

Submissions (4):

Labcorp Genetics (formerly Invitae), Labcorp
Classification: Benign. Last evaluated: 2026-01-11. Review status: criteria provided, single submitter. Criteria: Invitae Variant Classification Sherloc (09022015). Collection method: clinical testing. Allele origin: germline.

Blueprint Genetics
Classification: Likely benign. Last evaluated: 2024-11-19. Review status: criteria provided, single submitter. Criteria: ACMG Guidelines, 2015. Collection method: clinical testing. Allele origin: germline.

GeneDx
Classification: Uncertain significance. Last evaluated: 2017-07-26. Review status: criteria provided, single submitter. Criteria: GeneDx Variant Classification (06012015). Collection method: clinical testing. Allele origin: germline. Affected: yes.
Comment: The R2524C variant in the OTOG gene has not been reported previously as a pathogenic variant, nor as a benign variant, to our knowledge. Reliable data is not available in large population cohorts to assess the frequency of this variant in publicly available databases; however, the R2524C variant is observed in 73/76,088 (0.1%) alleles from individuals undergoing testing at GeneDx, and no individuals are reported to be homozygous. The R2524C variant is a non-conservative amino acid substitution, which is likely to impact secondary protein structure as these residues differ in polarity, charge, size and/or other properties. This substitution occurs at a position where amino acids with similar properties to Arginine are tolerated across species. In silico analysis predicts this variant is probably damaging to the protein structure/function. We interpret R2524C as a variant of uncertain significance.

PreventionGenetics, part of Exact Sciences
Classification: Benign for OTOG-related condition. Last evaluated: 2024-09-26. Review status: no assertion criteria provided. Collection method: clinical testing. Allele origin: germline. Not counted in ClinVar's aggregate classification.
Comment: This variant is classified as benign based on ACMG/AMP sequence variant interpretation guidelines (Richards et al. 2015 PMID: 25741868, with internal and published modifications).